The following is an entry in ClinVar:

ClinVar aggregate classification (germline): Uncertain significance (1 of 4 stars; one submission).

Conditions:
Autosomal dominant nonsyndromic hearing loss 11. Identifiers: Orphanet 90635, MedGen C1832475, MONDO:0011032, OMIM 601317.

gnomAD v4.1: 8 of 1,613,754 alleles (0.0005%); highest among the groups gnomAD compares: East Asian, 0.0089%; no homozygotes.

Submission:

Neuberg Centre For Genomic Medicine, NCGM
Classification: Uncertain significance for Autosomal dominant nonsyndromic hearing loss 11. Review status: criteria provided, single submitter. Criteria: ACMG Guidelines, 2015. Collection method: clinical testing. Allele origin: germline. Inheritance: Autosomal dominant inheritance. Affected: yes.
Comment: The missense variant c.4450C>A (p.Leu1484Ile) in the MYO7A gene has not been reported previously as a pathogenic variant nor as a benign variant, to our knowledge. This variant is reported with the allele frequency (0.0008%) in the gnomAD Exomes. The amino acid Leucine at position 1484 is changed to a Isoleucine changing protein sequence and it might alter its composition and physico-chemical properties. Computational evidence (Polyphen, SIFT and MutationTaster) predicts conflicting evidence on protein structure and function for this variant. The amino acid change p.Leu1484Ile in MYO7A is predicted as conserved by GERP++ and PhyloP across 100 vertebrates. For these reasons, this variant has been classified as Uncertain Significance.

NM_000260.4(MYO7A):c.4450C>A (p.Leu1484Ile)

Gene: MYO7A (myosin VIIA; plus strand). Cytogenetic location: 11q13.5.
Variant type: single nucleotide variant.
Coding change: c.4450C>A on transcript NM_000260.4 (MANE Select); coding-DNA position 4450, C replaced by A.
Protein change: p.Leu1484Ile; replaces leucine 1484 with isoleucine.
Molecular consequence: missense variant.
Genome position (GRCh38, 1-based): chr11:77,198,503, C>A. VCF-style: chr11-77198503-C-A. GRCh37 (hg19) VCF-style: chr11-76909548-C-A.
Other names: c.4450C>A, p.Leu1484Ile (NM_001127180.2); c.4417C>A, p.Leu1473Ile (NM_001369365.1); short protein forms L1473I, L1484I.
Identifiers: ClinVar variation 3377572 (VCV003377572.1).